The following is an entry in ClinVar:

NM_000553.6(WRN):c.1025T>C (p.Val342Ala)

Gene: WRN (WRN RecQ like helicase; plus strand). Cytogenetic location: 8p12.
Variant type: single nucleotide variant.
Coding change: c.1025T>C on transcript NM_000553.6 (MANE Select); coding-DNA position 1025, T replaced by C.
Protein change: p.Val342Ala; replaces valine 342 with alanine.
Molecular consequence: missense variant.
Genome position (GRCh38, 1-based): chr8:31,081,052, T>C. VCF-style: chr8-31081052-T-C. GRCh37 (hg19) VCF-style: chr8-30938568-T-C.
Other names: short protein forms V342A.
Identifiers: ClinVar variation 2877855 (VCV002877855.3), dbSNP rs181033722, ClinGen allele CA4704241.

ClinVar aggregate classification (germline): Uncertain significance (1 of 4 stars; one submission).

Conditions:
Werner syndrome (WRN). Identifiers: Orphanet 902, MedGen C0043119, MONDO:0010196, OMIM 277700.

Allele frequency attached by ClinVar (database versions not stated): ExAC 0.00001; gnomAD 0.00001; TOPMed 0.00002; 1000 Genomes Project 30x 0.00016; 1000 Genomes Project 0.00020.
gnomAD v4.1: 5 of 1,613,972 alleles (0.00031%); highest among the groups gnomAD compares: Non-Finnish European, 0.00042%; no homozygotes.

Submission:

Labcorp Genetics (formerly Invitae), Labcorp
Classification: Uncertain significance for Werner syndrome. Last evaluated: 2023-07-03. Review status: criteria provided, single submitter. Criteria: Invitae Variant Classification Sherloc (09022015). Collection method: clinical testing. Allele origin: germline.
Comment: This sequence change replaces valine, which is neutral and non-polar, with alanine, which is neutral and non-polar, at codon 342 of the WRN protein (p.Val342Ala). This variant is present in population databases (rs181033722, gnomAD 0.0009%). This variant has not been reported in the literature in individuals affected with WRN-related conditions. Algorithms developed to predict the effect of missense changes on protein structure and function output the following: SIFT: "Not Available"; PolyPhen-2: "Benign"; Align-GVGD: "Not Available". The alanine amino acid residue is found in multiple mammalian species, which suggests that this missense change does not adversely affect protein function. In summary, the available evidence is currently insufficient to determine the role of this variant in disease. Therefore, it has been classified as a Variant of Uncertain Significance.